The following is an entry in ClinVar:

ClinVar aggregate classification (germline): Uncertain significance. Review status: criteria provided, multiple submitters, no conflicts (2 of 4 stars). 4 submissions from 4 submitters: Uncertain significance (4). Last evaluated 2026-05-13.

Conditions:
Inborn genetic diseases. Identifiers: MedGen C0950123, MeSH D030342.
3M syndrome 2. Also called: THREE M SYNDROME 2; 3-M Syndrome, OBSL1-Related. Identifiers: Orphanet 2616, MedGen C2752041, MONDO:0013039, OMIM 612921.

Allele frequency attached by ClinVar (database versions not stated): ExAC 0.00003; gnomAD 0.00003 and 0.00004; gnomAD exomes 0.00013 and 0.00007; TOPMed 0.00003.
gnomAD v4.1: 184 of 1,613,552 alleles (0.011%); highest among the groups gnomAD compares: Non-Finnish European, 0.015%; no homozygotes.

Submissions (4):

Women's Health and Genetics/Laboratory Corporation of America, LabCorp
Classification: Uncertain significance. Last evaluated: 2026-05-13. Review status: criteria provided, single submitter. Criteria: LabCorp Variant Classification Summary - May 2015. Collection method: clinical testing. Allele origin: germline.

Ambry Genetics
Classification: Uncertain significance for Inborn genetic diseases. Last evaluated: 2024-02-28. Review status: criteria provided, single submitter. Criteria: Ambry Variant Classification Scheme 2023. Collection method: clinical testing. Allele origin: germline.

Labcorp Genetics (formerly Invitae), Labcorp
Classification: Uncertain significance. Last evaluated: 2021-08-26. Review status: criteria provided, single submitter. Criteria: Invitae Variant Classification Sherloc (09022015). Collection method: clinical testing. Allele origin: germline.
Comment: This sequence change replaces valine with isoleucine at codon 1383 of the OBSL1 protein (p.Val1383Ile). The valine residue is highly conserved and there is a small physicochemical difference between valine and isoleucine. This variant is present in population databases (rs752693871, ExAC 0.006%). This variant has not been reported in the literature in individuals affected with OBSL1-related conditions. ClinVar contains an entry for this variant (Variation ID: 334480). Algorithms developed to predict the effect of missense changes on protein structure and function output the following: SIFT: "Deleterious"; PolyPhen-2: "Probably Damaging"; Align-GVGD: "Class C0". The isoleucine amino acid residue is found in multiple mammalian species, which suggests that this missense change does not adversely affect protein function. In summary, the available evidence is currently insufficient to determine the role of this variant in disease. Therefore, it has been classified as a Variant of Uncertain Significance.

Illumina Laboratory Services, Illumina
Classification: Uncertain significance for 3M syndrome 2. Last evaluated: 2018-01-13. Review status: criteria provided, single submitter. Criteria: ICSL Variant Classification Criteria 13 December 2019. Collection method: clinical testing. Allele origin: germline.

NM_015311.3(OBSL1):c.4147G>A (p.Val1383Ile)

Gene: OBSL1 (obscurin like cytoskeletal adaptor 1; minus strand). Cytogenetic location: 2q35.
Variant type: single nucleotide variant.
Coding change: c.4147G>A on transcript NM_015311.3 (MANE Select); coding-DNA position 4147, G replaced by A.
Protein change: p.Val1383Ile; replaces valine 1383 with isoleucine.
Molecular consequence: missense variant.
Genome position (GRCh38, 1-based): chr2:219,556,643, C>T on the plus strand (G>A on the coding strand, the complement: OBSL1 is on the minus strand). VCF-style: chr2-219556643-C-T. GRCh37 (hg19) VCF-style: chr2-220421365-C-T.
Other names: c.4147G>A, p.Val1383Ile (NM_001173431.2); short protein forms V1383I.
Identifiers: ClinVar variation 334480 (VCV000334480.11), dbSNP rs752693871, ClinGen allele CA2130649.
Genomic context (GRCh38, chr2:219,556,643, plus strand): 5'-GCCCTGGAGTGACGACGGCCCCATTGCGCAGCCAGGTGACATCGGCATCTGGTGGGGAGA[C>T]TTCACACCGGAACGTGGCATCATCGCCCTCGTGGACAGTGAGTGGTGTCAGCTCCGAGAC-3'
Protein context (NP_056126.1, residues 1373-1393): EGDDATFRCE[Val1383Ile]SPPDADVTWL